The following is an entry in ClinVar:

ClinVar aggregate classification (germline): Uncertain significance (1 of 4 stars; one submission).

Conditions:
Inborn genetic diseases. Identifiers: MedGen C0950123, MeSH D030342.

Submission:

Ambry Genetics
Classification: Uncertain significance for Inborn genetic diseases. Last evaluated: 2026-04-09. Review status: criteria provided, single submitter. Criteria: Ambry Variant Classification Scheme 2023. Collection method: clinical testing. Allele origin: germline.
Comment: The c.163C>T (p.R55W) alteration is located in exon 2 (coding exon 2) of the OPA3 gene. This alteration results from a C to T substitution at nucleotide position 163, causing the arginine (R) at amino acid position 55 to be replaced by a tryptophan (W). Based on data from gnomAD, the T allele has an overall frequency of <0.001% (0/246104) total alleles studied. The highest observed frequency was <0.001% (/) of alleles. Based on insufficient or conflicting evidence, the clinical significance of this alteration remains unclear.

NM_025136.4(OPA3):c.163C>T (p.Arg55Trp)

Genes: OPA3 (outer mitochondrial membrane lipid metabolism regulator OPA3; minus strand), OPA3-RTN2 (OPA3-RTN2 readthrough; minus strand). Cytogenetic location: 19q13.32.
Variant type: single nucleotide variant.
Coding change: c.163C>T on transcript NM_025136.4 (MANE Select); coding-DNA position 163, C replaced by T.
Protein change: p.Arg55Trp; replaces arginine 55 with tryptophan.
Molecular consequence: missense variant. On other transcripts: intron variant (1).
Genome position (GRCh38, 1-based): chr19:45,553,891, G>A on the plus strand (C>T on the coding strand, the complement: OPA3 is on the minus strand). VCF-style: chr19-45553891-G-A. GRCh37 (hg19) VCF-style: chr19-46057149-G-A.
Other names: c.143-24435C>T (NM_001017989.3); short protein forms R55W.
Identifiers: ClinVar variation 4861397 (VCV004861397.1).